The following is an entry in ClinVar:

ClinVar aggregate classification (germline): Pathogenic/Likely pathogenic. Review status: criteria provided, multiple submitters, no conflicts (2 of 4 stars). 2 submissions from 2 submitters: Pathogenic (1); Likely pathogenic (1). Last evaluated 2025-12-06.

Conditions:
Familial hemophagocytic lymphohistiocytosis 2 (FHL2). Also called: PRF1-Related Familial Hemophagocytic Lymphohistiocytosis (PRF1-fHLH). Identifiers: Orphanet 540, MedGen C1863727, MONDO:0011337, OMIM 603553.

Allele frequency attached by ClinVar (database versions not stated): TOPMed 0.00002; gnomAD 0.00003 and 0.00004.
gnomAD v4.1: 4 of 1,613,936 alleles (0.00025%); highest among the groups gnomAD compares: African/African-American, 0.0053%; no homozygotes.

Submissions (2):

Labcorp Genetics (formerly Invitae), Labcorp
Classification: Pathogenic for Familial hemophagocytic lymphohistiocytosis 2. Last evaluated: 2025-12-06. Review status: criteria provided, single submitter. Criteria: Invitae Variant Classification Sherloc (09022015). Collection method: clinical testing. Allele origin: germline.
Comment: This sequence change creates a premature translational stop signal (p.Tyr438*) in the PRF1 gene. While this is not anticipated to result in nonsense mediated decay, it is expected to disrupt the last 118 amino acid(s) of the PRF1 protein. This variant is present in population databases (no rsID available, gnomAD 0.01%). This premature translational stop signal has been observed in individual(s) with clinical features of hemophagocytic lymphohistiocytosis (PMID: 17873118, 31395954, 32542393). ClinVar contains an entry for this variant (Variation ID: 1678093). This variant disrupts a region of the PRF1 protein in which other variant(s) (p.Thr450Met) have been determined to be pathogenic (PMID: 15632205, 17266056, 19487666, 21881043, 25233452, 26903364). This suggests that this is a clinically significant region of the protein, and that variants that disrupt it are likely to be disease-causing. For these reasons, this variant has been classified as Pathogenic.

AiLife Diagnostics
Classification: Likely pathogenic. Last evaluated: 2022-03-29. Review status: criteria provided, single submitter. Criteria: ACMG Guidelines, 2015. Collection method: clinical testing. Allele origin: germline. Affected: yes. Observed: 1 variant allele.

Literature cited by the submitters: PubMed 17873118 (cited by Labcorp Genetics (formerly Invitae), Labcorp and AiLife Diagnostics); PubMed 31395954 (cited by Labcorp Genetics (formerly Invitae), Labcorp and AiLife Diagnostics); PubMed 32542393 (cited by Labcorp Genetics (formerly Invitae), Labcorp and AiLife Diagnostics); PubMed 15632205 (cited by Labcorp Genetics (formerly Invitae), Labcorp); PubMed 17266056 (cited by Labcorp Genetics (formerly Invitae), Labcorp); PubMed 19487666 (cited by Labcorp Genetics (formerly Invitae), Labcorp); PubMed 21881043 (cited by Labcorp Genetics (formerly Invitae), Labcorp); PubMed 25233452 (cited by Labcorp Genetics (formerly Invitae), Labcorp); PubMed 26903364 (cited by Labcorp Genetics (formerly Invitae), Labcorp).

NM_001083116.3(PRF1):c.1314T>A (p.Tyr438Ter)

Gene: PRF1 (perforin 1; minus strand). Cytogenetic location: 10q22.1.
Variant type: single nucleotide variant.
Coding change: c.1314T>A on transcript NM_001083116.3 (MANE Select); coding-DNA position 1314, T replaced by A.
Protein change: p.Tyr438Ter; replaces tyrosine 438 with a stop codon.
Molecular consequence: nonsense.
Genome position (GRCh38, 1-based): chr10:70,598,407, A>T on the plus strand (T>A on the coding strand, the complement: PRF1 is on the minus strand). VCF-style: chr10-70598407-A-T. GRCh37 (hg19) VCF-style: chr10-72358163-A-T.
Other names: c.1314T>A, p.Tyr438Ter (NM_005041.6); short protein forms Y438*.
Identifiers: ClinVar variation 1678093 (VCV001678093.6), dbSNP rs1431972351, ClinGen allele CA376956018.
Genomic context (GRCh38, chr10:70,598,407, plus strand): 5'-GTTGTTATTGTCCCACACGGTGCTCGTCCTCAGCTCCTGGCCACCAAAGAAGAGCTTCAC[A>T]TAGGCATCCGTGGCAGTGAACCAGTCCCCCCACAGGCCCCATGCTTGGATGAAGGTCACC-3'